The following is an entry in ClinVar:

ClinVar aggregate classification (germline): Uncertain significance. Review status: criteria provided, multiple submitters, no conflicts (2 of 4 stars). 4 submissions from 4 submitters: Uncertain significance (4). Last evaluated 2024-07-23.

Conditions:
Autosomal recessive juvenile Parkinson disease 2. Also called: Parkinson disease autosomal recessive, early onset; Juvenile parkinsonism; Parkinsonism, early onset, with diurnal fluctuation; Parkinson disease, juvenile, type 2; PRKN-Related Early-Onset Parkinson Disease; PARKINSON DISEASE, JUVENILE, AUTOSOMAL RECESSIVE. Identifiers: Orphanet 2828, MedGen C1868675, MONDO:0010820, OMIM 600116.
Ovarian neoplasm. Also called: Ovarian Neoplasms; Neoplasm of ovary; Ovarian tumor. Identifiers: MedGen C0919267, MeSH D010051, MONDO:0021068, HP:0100615.
Lung cancer. Also called: Lung cancer, somatic; Malignant tumor of lung. Identifiers: MedGen C0242379, MONDO:0008903, OMIM 211980.

Allele frequency attached by ClinVar (database versions not stated): gnomAD exomes 0.00013 and 0.00054; ExAC 0.00017; gnomAD 0.00017 and 0.00018; TOPMed 0.00017; ESP Exome Variant Server 0.00031.
gnomAD v4.1: 793 of 1,613,164 alleles (0.049%); highest among the groups gnomAD compares: Non-Finnish European, 0.065%; no homozygotes.

Submissions (4):

Mayo Clinic Laboratories, Mayo Clinic
Classification: Uncertain significance. Last evaluated: 2024-07-23. Review status: criteria provided, single submitter. Criteria: ACMG Guidelines, 2015. Collection method: clinical testing. Allele origin: germline. Observed: 1 variant allele.

Fulgent Genetics
Classification: Uncertain significance for Ovarian cancer; Lung cancer; Autosomal recessive juvenile Parkinson disease 2. Last evaluated: 2022-05-05. Review status: criteria provided, single submitter. Criteria: ACMG Guidelines, 2015. Collection method: clinical testing. Allele origin: unknown.

Labcorp Genetics (formerly Invitae), Labcorp
Classification: Uncertain significance. Last evaluated: 2021-08-31. Review status: criteria provided, single submitter. Criteria: Invitae Variant Classification Sherloc (09022015). Collection method: clinical testing. Allele origin: germline.

Illumina Laboratory Services, Illumina
Classification: Uncertain significance for Autosomal recessive juvenile Parkinson disease 2. Last evaluated: 2017-04-27. Review status: criteria provided, single submitter. Criteria: ICSL Variant Classification Criteria 13 December 2019. Collection method: clinical testing. Allele origin: germline.
Comment: This variant was observed as part of a predisposition screen in an ostensibly healthy population. A literature search was performed for the gene, cDNA change, and amino acid change (where applicable). Publications were found based on this search. However, the evidence from the literature, in combination with allele frequency data from public databases where available, was not sufficient to rule this variant in or out of causing disease. Therefore, this variant is classified as a variant of unknown significance.

Literature cited by the submitters: PubMed 18514563 (cited by Mayo Clinic Laboratories, Mayo Clinic and Illumina Laboratory Services, Illumina); PubMed 19636047 (cited by Mayo Clinic Laboratories, Mayo Clinic and Illumina Laboratory Services, Illumina); PubMed 21996382 (cited by Mayo Clinic Laboratories, Mayo Clinic); PubMed 22243833 (cited by Mayo Clinic Laboratories, Mayo Clinic and Illumina Laboratory Services, Illumina); PubMed 27006626 (cited by Mayo Clinic Laboratories, Mayo Clinic); PubMed 29860783 (cited by Mayo Clinic Laboratories, Mayo Clinic).

NM_004562.3(PRKN):c.930G>C (p.Glu310Asp)

Gene: PRKN (parkin RBR E3 ubiquitin protein ligase; minus strand). Cytogenetic location: 6q26.
Variant type: single nucleotide variant.
Coding change: c.930G>C on transcript NM_004562.3 (MANE Select); coding-DNA position 930, G replaced by C.
Protein change: p.Glu310Asp; replaces glutamic acid 310 with aspartic acid.
Molecular consequence: missense variant.
Genome position (GRCh38, 1-based): chr6:161,569,358, C>G on the plus strand (G>C on the coding strand, the complement: PRKN is on the minus strand). VCF-style: chr6-161569358-C-G. GRCh37 (hg19) VCF-style: chr6-161990390-C-G.
Other names: p.Glu310Asp; c.846G>C, p.Glu282Asp (NM_013987.3); c.483G>C, p.Glu161Asp (NM_013988.3); short protein forms E310D, E161D, E282D.
Identifiers: ClinVar variation 577057 (VCV000577057.11), dbSNP rs72480423, ClinGen allele CA4090111.